The following is an entry in ClinVar:

ClinVar aggregate classification (germline): Uncertain significance (1 of 4 stars; one submission).

Conditions:
Hereditary sensory and autonomic neuropathy type 6. Also called: HSAN VI; Neuropathy, hereditary sensory and autonomic, type VI. Identifiers: Orphanet 314381, MedGen C3539003, MONDO:0013839, OMIM 614653.
Epidermolysis bullosa simplex 3, localized or generalized intermediate, with BP230 deficiency (EBS3). Also called: Epidermolysis bullosa simplex due to BP230 deficiency; Epidermolysis bullosa simplex, autosomal recessive 2. Identifiers: Orphanet 412181, MedGen C3809470, MONDO:0014180, OMIM 615425.

gnomAD v4.1: 1 of 1,614,192 alleles (0.000062%); highest among the groups gnomAD compares: Non-Finnish European, 0.000085%; no homozygotes.

Submission:

Labcorp Genetics (formerly Invitae), Labcorp
Classification: Uncertain significance for Epidermolysis bullosa simplex 3, localized or generalized intermediate, with BP230 deficiency; Hereditary sensory and autonomic neuropathy type 6. Last evaluated: 2025-03-16. Review status: criteria provided, single submitter. Criteria: Invitae Variant Classification Sherloc (09022015). Collection method: clinical testing. Allele origin: germline.
Comment: This sequence change replaces histidine, which is basic and polar, with aspartic acid, which is acidic and polar, at codon 1904 of the DST protein (p.His1904Asp). This variant is not present in population databases (gnomAD no frequency). This variant has not been reported in the literature in individuals affected with DST-related conditions. ClinVar contains an entry for this variant (Variation ID: 2940340). An algorithm developed to predict the effect of missense changes on protein structure and function (PolyPhen-2) suggests that this variant is likely to be tolerated. In summary, the available evidence is currently insufficient to determine the role of this variant in disease. Therefore, it has been classified as a Variant of Uncertain Significance.

NM_001723.7(DST):c.5710C>G (p.His1904Asp)

Gene: DST (dystonin; minus strand). Cytogenetic location: 6p12.1.
Variant type: single nucleotide variant.
Coding change: c.5710C>G on transcript NM_001723.7 (MANE Plus Clinical); coding-DNA position 5710, C replaced by G.
Protein change: p.His1904Asp; replaces histidine 1904 with aspartic acid.
Molecular consequence: missense variant. On other transcripts: intron variant (10).
Genome position (GRCh38, 1-based): chr6:56,618,324, G>C on the plus strand (C>G on the coding strand, the complement: DST is on the minus strand). VCF-style: chr6-56618324-G-C. GRCh37 (hg19) VCF-style: chr6-56483122-G-C.
Other names: c.4831-3840C>G (NM_001144769.5); c.4930-3840C>G (NM_001374722.1, NM_001374736.1); c.4957-3840C>G (NM_001374734.1); c.4417-3840C>G (NM_001144770.2); c.4297-3840C>G (NM_001374730.1, NM_001386100.1, NM_183380.4 and 1 more transcripts); c.3319-3840C>G (NM_015548.5); short protein forms H1904D.
Identifiers: ClinVar variation 2940340 (VCV002940340.3), dbSNP rs1434477426, ClinGen allele CA364566747.